The following is an entry in ClinVar:

NM_001164664.2(MAST4):c.2634T>C (p.Tyr878=)

Gene: MAST4 (microtubule associated serine/threonine kinase family member 4; plus strand). Cytogenetic location: 5q12.3.
Variant type: single nucleotide variant.
Coding change: c.2634T>C on transcript NM_001164664.2 (MANE Select); coding-DNA position 2634, T replaced by C.
Protein change: p.Tyr878=; no amino-acid change (tyrosine 878 retained).
Molecular consequence: synonymous variant.
Genome position (GRCh38, 1-based): chr5:67,142,437, T>C. VCF-style: chr5-67142437-T-C. GRCh37 (hg19) VCF-style: chr5-66438265-T-C.
Other names: c.2016T>C, p.Tyr672= (NM_001290226.2); c.2052T>C, p.Tyr684= (NM_001290227.2, NM_001297651.2, NM_001393527.1); c.2643T>C, p.Tyr881= (NM_001393524.1); c.2634T>C, p.Tyr878= (NM_001393525.1); c.2067T>C, p.Tyr689= (NM_001393526.1, NM_015183.3); c.2031T>C, p.Tyr677= (NM_001393528.1).
Identifiers: ClinVar variation 4875038 (VCV004875038.2).

ClinVar aggregate classification (germline): Likely benign (1 of 4 stars; one submission).

gnomAD v4.1: 2 of 1,599,222 alleles (0.00013%); highest among the groups gnomAD compares: Non-Finnish European, 0.00017%; no homozygotes.

Submission:

CeGaT Center for Human Genetics Tuebingen
Classification: Likely benign. Last evaluated: 2026-06-01. Review status: criteria provided, single submitter. Criteria: CeGaT Center For Human Genetics Tuebingen Variant Classification Criteria Version 2. Collection method: clinical testing. Allele origin: germline. Affected: yes. Observed: 1 variant allele.
Comment: MAST4: BP4, BP7